The following is an entry in ClinVar:

ClinVar aggregate classification (germline): Uncertain significance (1 of 4 stars; one submission).

Submission:

Labcorp Genetics (formerly Invitae), Labcorp
Classification: Uncertain significance. Last evaluated: 2025-05-23. Review status: criteria provided, single submitter. Criteria: Invitae Variant Classification Sherloc (09022015). Collection method: clinical testing. Allele origin: germline.
Comment: This sequence change replaces isoleucine, which is neutral and non-polar, with phenylalanine, which is neutral and non-polar, at codon 354 of the IL23R protein (p.Ile354Phe). This variant is not present in population databases (gnomAD no frequency). This variant has not been reported in the literature in individuals affected with IL23R-related conditions. An algorithm developed to predict the effect of missense changes on protein structure and function outputs the following: PolyPhen-2: "Possibly Damaging". The phenylalanine amino acid residue is found in multiple mammalian species, which suggests that this missense change does not adversely affect protein function. In summary, the available evidence is currently insufficient to determine the role of this variant in disease. Therefore, it has been classified as a Variant of Uncertain Significance.

NM_144701.3(IL23R):c.1060A>T (p.Ile354Phe)

Gene: IL23R (interleukin 23 receptor; plus strand). Cytogenetic location: 1p31.3.
Variant type: single nucleotide variant.
Coding change: c.1060A>T on transcript NM_144701.3 (MANE Select); coding-DNA position 1060, A replaced by T.
Protein change: p.Ile354Phe; replaces isoleucine 354 with phenylalanine.
Molecular consequence: missense variant.
Genome position (GRCh38, 1-based): chr1:67,240,193, A>T. VCF-style: chr1-67240193-A-T. GRCh37 (hg19) VCF-style: chr1-67705876-A-T.
Other names: short protein forms I354F.
Identifiers: ClinVar variation 4804412 (VCV004804412.1).